The following is an entry in ClinVar:

ClinVar aggregate classification (germline): Uncertain significance (1 of 4 stars; one submission).

Conditions:
Ullrich congenital muscular dystrophy 2 (UCMD2). Identifiers: Orphanet 75840, MedGen C4225314, MONDO:0014654, OMIM 616470.
Bethlem myopathy 2 (BTHLM2). Identifiers: Orphanet 536516, Orphanet 610, MedGen C4225313, MONDO:0034022, OMIM 616471.

gnomAD v4.1: 6 of 1,613,466 alleles (0.00037%); highest among the groups gnomAD compares: Non-Finnish European, 0.00042%; no homozygotes.

Submission:

Labcorp Genetics (formerly Invitae), Labcorp
Classification: Uncertain significance for Bethlem myopathy 2; Ullrich congenital muscular dystrophy 2. Last evaluated: 2025-11-18. Review status: criteria provided, single submitter. Criteria: Invitae Variant Classification Sherloc (09022015). Collection method: clinical testing. Allele origin: germline.
Comment: This sequence change replaces glutamic acid, which is acidic and polar, with lysine, which is basic and polar, at codon 2280 of the COL12A1 protein (p.Glu2280Lys). This variant is not present in population databases (gnomAD no frequency). This variant has not been reported in the literature in individuals affected with COL12A1-related conditions. Invitae Evidence Modeling of protein sequence and biophysical properties (such as structural, functional, and spatial information, amino acid conservation, physicochemical variation, residue mobility, and thermodynamic stability) has been performed for this missense variant. However, the output from this modeling did not meet the statistical confidence thresholds required to predict the impact of this variant on COL12A1 protein function. In summary, the available evidence is currently insufficient to determine the role of this variant in disease. Therefore, it has been classified as a Variant of Uncertain Significance.

NM_004370.6(COL12A1):c.6838G>A (p.Glu2280Lys)

Gene: COL12A1 (collagen type XII alpha 1 chain; minus strand). Cytogenetic location: 6q13.
Variant type: single nucleotide variant.
Coding change: c.6838G>A on transcript NM_004370.6 (MANE Select); coding-DNA position 6838, G replaced by A.
Protein change: p.Glu2280Lys; replaces glutamic acid 2280 with lysine.
Molecular consequence: missense variant.
Genome position (GRCh38, 1-based): chr6:75,123,981, C>T on the plus strand (G>A on the coding strand, the complement: COL12A1 is on the minus strand). VCF-style: chr6-75123981-C-T. GRCh37 (hg19) VCF-style: chr6-75833697-C-T.
Other names: c.6838G>A, p.Glu2280Lys (NM_001424113.1); c.6817G>A, p.Glu2273Lys (NM_001424114.1); c.6565G>A, p.Glu2189Lys (NM_001424115.1); c.3346G>A, p.Glu1116Lys (NM_001424116.1, NM_080645.3); short protein forms E1116K, E2189K, E2280K, E2273K.
Identifiers: ClinVar variation 4788934 (VCV004788934.1).